The following is an entry in ClinVar:

NM_001261826.3(AP3D1):c.2248_2250del (p.Glu750del)

Gene: AP3D1 (adaptor related protein complex 3 subunit delta 1; minus strand). Cytogenetic location: 19p13.3.
Variant type: Deletion.
Coding change: c.2248_2250del on transcript NM_001261826.3 (MANE Select); coding-DNA positions 2248 to 2250, 3 bases deleted (GAG; older notation c.2248_2250delGAG).
Protein change: p.Glu750del; deletes glutamic acid 750.
Molecular consequence: inframe deletion.
Genome position (GRCh38, 1-based): chr19:2,115,318-2,115,320, CTC deleted on the plus strand (GAG on the coding strand, the reverse complement: AP3D1 is on the minus strand); deleting any 3 consecutive bases within chr19:2,115,318-2,115,322 gives the same sequence; the c. name uses the placement nearest the transcript's 3' end. VCF-style (leftmost placement, unchanged base first): chr19-2115317-TCTC-T. GRCh37 (hg19) VCF-style: chr19-2115316-TCTC-T.
Other names: c.2248_2250del, p.Glu750del (NM_001374799.1, NM_003938.8); short protein forms E750del.
Identifiers: ClinVar variation 1421803 (VCV001421803.6), dbSNP rs992362360, ClinGen allele CA304155499.

ClinVar aggregate classification (germline): Uncertain significance (1 of 4 stars; one submission).

Submission:

Labcorp Genetics (formerly Invitae), Labcorp
Classification: Uncertain significance. Last evaluated: 2021-08-17. Review status: criteria provided, single submitter. Criteria: Invitae Variant Classification Sherloc (09022015). Collection method: clinical testing. Allele origin: germline.
Comment: In summary, the available evidence is currently insufficient to determine the role of this variant in disease. Therefore, it has been classified as a Variant of Uncertain Significance. Experimental studies and prediction algorithms are not available or were not evaluated, and the functional significance of this variant is currently unknown. This variant has not been reported in the literature in individuals affected with AP3D1-related conditions. This variant is not present in population databases (ExAC no frequency). This variant, c.2248_2250del, results in the deletion of 1 amino acid(s) of the AP3D1 protein (p.Glu750del), but otherwise preserves the integrity of the reading frame.